The following is an entry in ClinVar:

ClinVar aggregate classification (germline): Likely pathogenic (1 of 4 stars; one submission).

Conditions:
Hereditary hemorrhagic telangiectasia (HHT). Also called: ORW DISEASE; Osler Weber Rendu syndrome; OSLER-RENDU-WEBER DISEASE; Osler hemorrhagic telangiectasia syndrome. Identifiers: Orphanet 774, MedGen C0039445, MONDO:0019180. Disease mechanism: loss of function.

Submission:

Labcorp Genetics (formerly Invitae), Labcorp
Classification: Likely pathogenic for Hereditary hemorrhagic telangiectasia. Last evaluated: 2022-05-09. Review status: criteria provided, single submitter. Criteria: Invitae Variant Classification Sherloc (09022015). Collection method: clinical testing. Allele origin: germline.
Comment: In summary, the currently available evidence indicates that the variant is pathogenic, but additional data are needed to prove that conclusively. Therefore, this variant has been classified as Likely Pathogenic. Algorithms developed to predict the effect of sequence changes on RNA splicing suggest that this variant may disrupt the consensus splice site. This variant results in the deletion of part of exon 8 of the ENG gene. It is expected to disrupt RNA splicing. Variants that disrupt the donor or acceptor splice site typically lead to a loss of protein function (PMID: 16199547), and loss-of-function variants in ENG are known to be pathogenic (PMID: 15879500). This variant is not present in population databases (gnomAD no frequency). This variant has been observed in individual(s) with clinical features of ENG-related conditions (Invitae).

Literature cited by the submitters: PubMed 16199547; PubMed 15879500.

NM_001114753.3(ENG):c.992-49_1046del

Gene: ENG (endoglin; minus strand). Cytogenetic location: 9q34.11.
Variant type: Deletion.
Coding change: c.992-49_1046del on transcript NM_001114753.3 (MANE Select); 49 bases into the intron before coding-DNA position 992 through coding-DNA position 1046, 104 bases deleted.
Molecular consequence: splice acceptor variant.
Genome position (GRCh38, 1-based): chr9:127,824,392-127,824,495, 104 bases deleted. GRCh37 (hg19): chr9:130,586,675-130,586,778.
Other names: c.992-49_1046del (NM_000118.4, NM_001406715.1); c.446-49_500del (NM_001278138.2).
Identifiers: ClinVar variation 2135809 (VCV002135809.4), dbSNP rs2539071106, ClinGen allele CA2580079628.